The following is an entry in ClinVar:

ClinVar aggregate classification (germline): Uncertain significance (1 of 4 stars; one submission).

Conditions:
Hereditary cancer-predisposing syndrome. Also called: Tumor predisposition; Hereditary neoplastic syndrome; Neoplastic Syndromes, Hereditary; Hereditary Cancer Syndrome. Identifiers: Orphanet 140162, MedGen C0027672, MeSH D009386, MONDO:0015356.

Submission:

Ambry Genetics
Classification: Uncertain significance for Hereditary cancer-predisposing syndrome. Last evaluated: 2025-06-09. Review status: criteria provided, single submitter. Criteria: Ambry Variant Classification Scheme 2023. Collection method: clinical testing. Allele origin: germline.
Comment: The p.G94R variant (also known as c.280G>A), located in coding exon 2 of the FLCN gene, results from a G to A substitution at nucleotide position 280. The glycine at codon 94 is replaced by arginine, an amino acid with dissimilar properties. This amino acid position is conserved. In addition, this alteration is predicted to be deleterious by in silico analysis. Based on the available evidence, the clinical significance of this variant remains unclear.

NM_144997.7(FLCN):c.280G>A (p.Gly94Arg)

Gene: FLCN (folliculin; minus strand). Cytogenetic location: 17p11.2.
Variant type: single nucleotide variant.
Coding change: c.280G>A on transcript NM_144997.7 (MANE Select); coding-DNA position 280, G replaced by A.
Protein change: p.Gly94Arg; replaces glycine 94 with arginine.
Molecular consequence: missense variant.
Genome position (GRCh38, 1-based): chr17:17,226,292, C>T on the plus strand (G>A on the coding strand, the complement: FLCN is on the minus strand). VCF-style: chr17-17226292-C-T. GRCh37 (hg19) VCF-style: chr17-17129606-C-T.
Other names: c.280G>A, p.Gly94Arg (NM_001353229.2, NM_001353230.2, NM_001353231.2 and 1 more transcripts); short protein forms G94R.
Identifiers: ClinVar variation 4025327 (VCV004025327.1).